The following is an entry in ClinVar:

NM_019066.5(MAGEL2):c.1365_1384del (p.Pro456fs)

Gene: MAGEL2 (MAGE family member L2; minus strand). Cytogenetic location: 15q11.2.
Variant type: Deletion.
Coding change: c.1365_1384del on transcript NM_019066.5 (MANE Select); coding-DNA positions 1365 to 1384, 20 bases deleted (ACCCGTGATCCGCCAGGCCC).
Protein change: p.Pro456fs; shifts the reading frame from proline 456.
Molecular consequence: frameshift variant.
Genome position (GRCh38, 1-based): chr15:23,646,359-23,646,378, GGGCCTGGCGGATCACGGGT deleted on the plus strand (ACCCGTGATCCGCCAGGCCC on the coding strand, the reverse complement: MAGEL2 is on the minus strand); deleting any 20 consecutive bases within chr15:23,646,359-23,646,381 gives the same sequence; the c. name uses the placement nearest the transcript's 3' end. VCF-style (leftmost placement, unchanged base first): chr15-23646358-GGGGCCTGGCGGATCACGGGT-G. GRCh37 (hg19) VCF-style: chr15-23891505-GGGGCCTGGCGGATCACGGGT-G.
Other names: short protein forms P456fs.
Identifiers: ClinVar variation 4990615 (VCV004990615.1).

ClinVar aggregate classification (germline): Uncertain significance (1 of 4 stars; one submission).

Conditions:
MAGEL2-related disorder. Also called: MAGEL2-related condition.

Submission:

PreventionGenetics, part of Exact Sciences
Classification: Uncertain significance for MAGEL2-related condition. Last evaluated: 2026-05-01. Review status: criteria provided, single submitter. Criteria: ACMG Guidelines, 2015. Collection method: clinical testing. Allele origin: germline.
Comment: The MAGEL2 c.1365_1384del20 variant is predicted to result in a frameshift and premature protein termination (p.Pro456Argfs*68). To our knowledge, this variant has not been reported in the literature. This variant is reported in 0.035% of alleles in individuals of African descent in gnomAD. At this time, the clinical significance of this variant is uncertain due to the absence of conclusive functional and genetic evidence.